The following is an entry in ClinVar:

NM_006939.4(SOS2):c.3758G>C (p.Ser1253Thr)

Gene: SOS2 (SOS Ras/Rho guanine nucleotide exchange factor 2; minus strand). Cytogenetic location: 14q21.3.
Variant type: single nucleotide variant.
Coding change: c.3758G>C on transcript NM_006939.4 (MANE Select); coding-DNA position 3758, G replaced by C.
Protein change: p.Ser1253Thr; replaces serine 1253 with threonine.
Molecular consequence: missense variant.
Genome position (GRCh38, 1-based): chr14:50,118,585, C>G on the plus strand (G>C on the coding strand, the complement: SOS2 is on the minus strand). VCF-style: chr14-50118585-C-G. GRCh37 (hg19) VCF-style: chr14-50585303-C-G.
Other names: short protein forms S1253T.
Identifiers: ClinVar variation 962676 (VCV000962676.12), dbSNP rs762593451, ClinGen allele CA7176714.

ClinVar aggregate classification (germline): Conflicting classifications of pathogenicity. Review status: criteria provided, conflicting classifications (1 of 4 stars). 3 submissions from 3 submitters: Uncertain significance (1); Likely benign (2). Last evaluated 2026-01-10.

Conditions:
Noonan syndrome 9 (NS9). Identifiers: Orphanet 648, MedGen C4225282, MONDO:0014691, OMIM 616559.
Cardiovascular phenotype. Identifiers: MedGen CN230736.

Allele frequency attached by ClinVar (database versions not stated): gnomAD exomes 0.00005; ExAC 0.00002; gnomAD 0.00002; TOPMed 0.00002.
gnomAD v4.1: 71 of 1,614,038 alleles (0.0044%); highest among the groups gnomAD compares: Non-Finnish European, 0.0059%; no homozygotes.

Submissions (3):

Labcorp Genetics (formerly Invitae), Labcorp
Classification: Likely benign for Noonan syndrome 9. Last evaluated: 2026-01-10. Review status: criteria provided, single submitter. Criteria: Invitae Variant Classification Sherloc (09022015). Collection method: clinical testing. Allele origin: germline.

Ambry Genetics
Classification: Uncertain significance for Cardiovascular phenotype. Last evaluated: 2025-06-29. Review status: criteria provided, single submitter. Criteria: Ambry Variant Classification Scheme 2023. Collection method: clinical testing. Allele origin: germline.

Women's Health and Genetics/Laboratory Corporation of America, LabCorp
Classification: Likely benign. Last evaluated: 2024-04-16. Review status: criteria provided, single submitter. Criteria: LabCorp Variant Classification Summary - May 2015. Collection method: clinical testing. Allele origin: germline.
Comment: Variant summary: SOS2 c.3758G>C (p.Ser1253Thr) results in a conservative amino acid change in the encoded protein sequence. Five of five in-silico tools predict a benign effect of the variant on protein function. The variant allele was found at a frequency of 4.4e-05 in 1614038 control chromosomes, predominantly at a frequency of 5.9e-05 within the Non-Finnish European subpopulation in the gnomAD database (v4.0.0). The observed variant frequency within Non-Finnish European control individuals in the gnomAD database is approximately 24 fold of the estimated maximal expected allele frequency for a pathogenic variant in SOS2 causing Noonan Syndrome phenotype (2.5e-06), strongly suggesting that the variant is a benign polymorphism found primarily in populations of Non-Finnish European origin. To our knowledge, no occurrence of c.3758G>C in individuals affected with Noonan Syndrome and no experimental evidence demonstrating its impact on protein function have been reported. ClinVar contains an entry for this variant (Variation ID: 962676). Based on the evidence outlined above, the variant was classified as likely benign.